The following is an entry in ClinVar:

NC_000001.11:g.186681189C>G

Genes: PTGS2 (prostaglandin-endoperoxide synthase 2; minus strand), PACERR (PTGS2 antisense NFKB1 complex-mediated expression regulator RNA; plus strand). Cytogenetic location: 1q31.1.
Variant type: single nucleotide variant.
Molecular consequence: non-coding transcript variant (on NR_125801.1).
Genome position: GRCh38 VCF-style: chr1-186681189-C-G. GRCh37 (hg19) VCF-style: chr1-186650321-C-G.
Identifiers: ClinVar variation 2571394 (VCV002571394.2), dbSNP rs20417, ClinGen allele CA10910901.
Genomic context (GRCh38, chr1:186,681,189, plus strand): 5'-CAACAGAAGAAATACTGTTCTCCGTACCTTCACCCCCTCCTTGTTTCTTGGAAAGAGAGG[C>G]GGGAAAGGTAAATTCTCCTCATAATACTGGTCCTAAGCAGTTACCCTGTAAATAGTTAAT-3'

ClinVar aggregate classification (germline): other (0 of 4 stars; one submission).

Conditions:
Cholangiocarcinoma. Identifiers: Orphanet 70567, MedGen C0206698, MeSH D018281, MONDO:0019087, HP:0030153.

Allele frequency attached by ClinVar (database versions not stated): gnomAD exomes 0.12500; 1000 Genomes Project 0.19788; gnomAD 0.20226; 1000 Genomes Project 30x 0.21065; TOPMed 0.21414.

Submission:

Department of Surgery, Campus Charité Mitte | Campus Virchow-klinikum, Charite-Universitaetsmedizin Berlin
Classification: other for Cholangiocarcinoma. Last evaluated: 2022-12-10. Review status: no assertion criteria provided. Collection method: research. Allele origin: germline. Affected: yes.
Comment: No association with disease-free or overall survival after resection of intrahepatic Cholangiocarcinoma